The following is an entry in ClinVar:

NM_005045.4(RELN):c.2786A>G (p.Gln929Arg)

Gene: RELN (reelin; minus strand). Cytogenetic location: 7q22.1.
Variant type: single nucleotide variant.
Coding change: c.2786A>G on transcript NM_005045.4 (MANE Select); coding-DNA position 2786, A replaced by G.
Protein change: p.Gln929Arg; replaces glutamine 929 with arginine.
Molecular consequence: missense variant.
Genome position (GRCh38, 1-based): chr7:103,611,720, T>C on the plus strand (A>G on the coding strand, the complement: RELN is on the minus strand). VCF-style: chr7-103611720-T-C. GRCh37 (hg19) VCF-style: chr7-103252167-T-C.
Other names: c.2786A>G, p.Gln929Arg (NM_173054.3); short protein forms Q929R.
Identifiers: ClinVar variation 2943418 (VCV002943418.3), dbSNP rs2484752927, ClinGen allele CA368754598.
Genomic context (GRCh38, chr7:103,611,720, plus strand): 5'-TTCACCTGGTTGTCCATGTGTGGGGTGTATTTCTGGCCACATCCCATCACCAAACTGAAC[T>C]GAATCATATAGGATGCTCCTATCTGCATTGATTGTGTTTCCACATAGCGCATACTTGAGG-3'
Protein context (NP_005036.2, residues 919-939): SMQIGASYMI[Gln929Arg]FSLVMGCGQK

ClinVar aggregate classification (germline): Uncertain significance (1 of 4 stars; one submission).

Conditions:
Familial temporal lobe epilepsy 7. Identifiers: Orphanet 101046, MedGen C4225327, MONDO:0014639, OMIM 616436.
Norman-Roberts syndrome (LIS2). Also called: Lissencephaly 2 (Norman-Roberts type). Identifiers: Orphanet 89844, MedGen C0796089, MONDO:0009760, OMIM 257320.

Allele frequency attached by ClinVar (database versions not stated): gnomAD exomes below 0.00001.
gnomAD v4.1: 1 of 1,613,922 alleles (0.000062%); highest among the groups gnomAD compares: Non-Finnish European, 0.000085%; no homozygotes.

Submission:

Labcorp Genetics (formerly Invitae), Labcorp
Classification: Uncertain significance for Familial temporal lobe epilepsy 7; Norman-Roberts syndrome. Last evaluated: 2023-01-19. Review status: criteria provided, single submitter. Criteria: Invitae Variant Classification Sherloc (09022015). Collection method: clinical testing. Allele origin: germline.
Comment: This sequence change replaces glutamine, which is neutral and polar, with arginine, which is basic and polar, at codon 929 of the RELN protein (p.Gln929Arg). This variant is not present in population databases (gnomAD no frequency). This variant has not been reported in the literature in individuals affected with RELN-related conditions. Advanced modeling of protein sequence and biophysical properties (such as structural, functional, and spatial information, amino acid conservation, physicochemical variation, residue mobility, and thermodynamic stability) has been performed at Invitae for this missense variant, however the output from this modeling did not meet the statistical confidence thresholds required to predict the impact of this variant on RELN protein function. In summary, the available evidence is currently insufficient to determine the role of this variant in disease. Therefore, it has been classified as a Variant of Uncertain Significance.